The following is an entry in ClinVar:

ClinVar aggregate classification (germline): Pathogenic. Review status: criteria provided, multiple submitters, no conflicts (2 of 4 stars). 2 submissions from 2 submitters: Pathogenic (2). Last evaluated 2025-10-26.

Conditions:
ABCA4-related disorder. Also called: ABCA4-related disorders; ABCA4-related condition. Identifiers: MedGen CN239167.

Allele frequency attached by ClinVar (database versions not stated): gnomAD exomes below 0.00001 and 0.00001.
gnomAD v4.1: 2 of 1,613,482 alleles (0.00012%); highest among the groups gnomAD compares: Non-Finnish European, 0.00017%; no homozygotes.

Submissions (2):

Labcorp Genetics (formerly Invitae), Labcorp
Classification: Pathogenic. Last evaluated: 2025-10-26. Review status: criteria provided, single submitter. Criteria: Invitae Variant Classification Sherloc (09022015). Collection method: clinical testing. Allele origin: germline.
Comment: This sequence change affects an acceptor splice site in intron 22 of the ABCA4 gene. It is expected to disrupt RNA splicing. Variants that disrupt the donor or acceptor splice site typically lead to a loss of protein function (PMID: 16199547), and loss-of-function variants in ABCA4 are known to be pathogenic (PMID: 10958761, 24938718, 25312043, 26780318). This variant is present in population databases (no rsID available, gnomAD 0.002%). Disruption of this splice site has been observed in individual(s) with Stargardt disease (PMID: 29114839). It has also been observed to segregate with disease in related individuals. ClinVar contains an entry for this variant (Variation ID: 1457689). Algorithms developed to predict the effect of sequence changes on RNA splicing suggest that this variant may disrupt the consensus splice site. For these reasons, this variant has been classified as Pathogenic.

Blueprint Genetics
Classification: Pathogenic for ABCA4-related disorders. Last evaluated: 2022-11-09. Review status: criteria provided, single submitter. Criteria: ACMG Guidelines, 2015. Collection method: clinical testing. Allele origin: germline. Affected: yes. Observed: 3 variant alleles.

Literature cited by the submitters: PubMed 16199547 (cited by Labcorp Genetics (formerly Invitae), Labcorp); PubMed 10958761 (cited by Labcorp Genetics (formerly Invitae), Labcorp); PubMed 24938718 (cited by Labcorp Genetics (formerly Invitae), Labcorp); PubMed 25312043 (cited by Labcorp Genetics (formerly Invitae), Labcorp); PubMed 26780318 (cited by Labcorp Genetics (formerly Invitae), Labcorp); PubMed 29114839 (cited by Labcorp Genetics (formerly Invitae), Labcorp).

NM_000350.3(ABCA4):c.3329-2A>T

Gene: ABCA4 (ATP binding cassette subfamily A member 4; minus strand). Cytogenetic location: 1p22.1.
Variant type: single nucleotide variant.
Coding change: c.3329-2A>T on transcript NM_000350.3 (MANE Select); the canonical splice acceptor site of the intron before coding-DNA position 3329, A replaced by T.
Molecular consequence: splice acceptor variant.
Genome position (GRCh38, 1-based): chr1:94,041,404, T>A on the plus strand (A>T on the coding strand, the complement: ABCA4 is on the minus strand). VCF-style: chr1-94041404-T-A. GRCh37 (hg19) VCF-style: chr1-94506960-T-A.
Identifiers: ClinVar variation 1457689 (VCV001457689.7), dbSNP rs1324958803, ClinGen allele CA341291411.
Genomic context (GRCh38, chr1:94,041,404, plus strand): 5'-GCGGTCCCCAAGGAGGTCGGCCTCGTCCATGTGGTGAGTGGACATGATGATGGTTCTGCC[T>A]GCAAGGTAGGGGCCAGGGCAATCACCAGGCCTGCCCTGGGTTGGGCATTGTTGGTAAAGG-3'